The following is an entry in ClinVar:

ClinVar aggregate classification (germline): Likely benign. Review status: criteria provided, multiple submitters, no conflicts (2 of 4 stars). 3 submissions from 3 submitters: Likely benign (3). Last evaluated 2025-04-08.

Conditions:
Autosomal recessive limb-girdle muscular dystrophy type 2J (LGMDR10). Also called: Limb-girdle muscular dystrophy, type 2J; MUSCULAR DYSTROPHY, LIMB-GIRDLE, AUTOSOMAL RECESSIVE 10. Identifiers: Orphanet 140922, MedGen C1837342, MONDO:0012127, OMIM 608807.
Dilated cardiomyopathy 1G (CMD1G). Identifiers: Orphanet 154, MedGen C1858763, MONDO:0011400, OMIM 604145.

Submissions (3):

Mayo Clinic Laboratories, Mayo Clinic
Classification: Likely benign. Last evaluated: 2025-04-08. Review status: criteria provided, single submitter. Criteria: ACMG Guidelines, 2015. Collection method: clinical testing. Allele origin: germline. Observed: 1 variant allele.
Comment: BP4, BP7

Labcorp Genetics (formerly Invitae), Labcorp
Classification: Likely benign for Dilated cardiomyopathy 1G; Autosomal recessive limb-girdle muscular dystrophy type 2J. Last evaluated: 2021-02-03. Review status: criteria provided, single submitter. Criteria: Invitae Variant Classification Sherloc (09022015). Collection method: clinical testing. Allele origin: germline.

GeneDx
Classification: Likely benign. Last evaluated: 2020-12-21. Review status: criteria provided, single submitter. Criteria: GeneDx Variant Classification Process June 2021. Collection method: clinical testing. Allele origin: germline. Affected: yes.

NM_001267550.2(TTN):c.30615T>G (p.Val10205=)

Gene: TTN (titin; minus strand). Cytogenetic location: 2q31.2.
Variant type: single nucleotide variant.
Coding change: c.30615T>G on transcript NM_001267550.2 (MANE Select); coding-DNA position 30615, T replaced by G.
Protein change: p.Val10205=; no amino-acid change (valine 10205 retained).
Molecular consequence: synonymous variant. On other transcripts: intron variant (3).
Genome position (GRCh38, 1-based): chr2:178,701,187, A>C on the plus strand (T>G on the coding strand, the complement: TTN is on the minus strand). VCF-style: chr2-178701187-A-C. GRCh37 (hg19) VCF-style: chr2-179565914-A-C.
Other names: p.Val9888=; c.29664T>G, p.Val9888= (NM_001256850.1); c.26883T>G, p.Val8961= (NM_133378.4); c.13282+36895T>G (NM_003319.4); c.13858+36895T>G (NM_133437.4); c.13657+36895T>G (NM_133432.3).
Identifiers: ClinVar variation 754114 (VCV000754114.12), dbSNP rs1577654107, ClinGen allele CA430133782.